The following is an entry in ClinVar:

ClinVar aggregate classification (germline): Uncertain significance (1 of 4 stars; one submission).

Submission:

Labcorp Genetics (formerly Invitae), Labcorp
Classification: Uncertain significance. Last evaluated: 2022-05-29. Review status: criteria provided, single submitter. Criteria: Invitae Variant Classification Sherloc (09022015). Collection method: clinical testing. Allele origin: germline.
Comment: This variant is not present in population databases (gnomAD no frequency). This sequence change replaces proline, which is neutral and non-polar, with alanine, which is neutral and non-polar, at codon 743 of the LAMA5 protein (p.Pro743Ala). This variant has not been reported in the literature in individuals affected with LAMA5-related conditions. In summary, the available evidence is currently insufficient to determine the role of this variant in disease. Therefore, it has been classified as a Variant of Uncertain Significance. Algorithms developed to predict the effect of missense changes on protein structure and function (SIFT, PolyPhen-2, Align-GVGD) all suggest that this variant is likely to be tolerated.

NM_005560.6(LAMA5):c.2227C>G (p.Pro743Ala)

Gene: LAMA5 (laminin subunit alpha 5; minus strand). Cytogenetic location: 20q13.33.
Variant type: single nucleotide variant.
Coding change: c.2227C>G on transcript NM_005560.6 (MANE Select); coding-DNA position 2227, C replaced by G.
Protein change: p.Pro743Ala; replaces proline 743 with alanine.
Molecular consequence: missense variant.
Genome position (GRCh38, 1-based): chr20:62,336,436, G>C on the plus strand (C>G on the coding strand, the complement: LAMA5 is on the minus strand). VCF-style: chr20-62336436-G-C. GRCh37 (hg19) VCF-style: chr20-60911492-G-C.
Other names: short protein forms P743A.
Identifiers: ClinVar variation 2000738 (VCV002000738.4), dbSNP rs1981644344, ClinGen allele CA409570647.
Genomic context (GRCh38, chr20:62,336,436, plus strand): 5'-AGAACCCAGGTTTGCAGCGGTCACAGCTCGGCCCCTCCACGTGAGCCCGGCACATACAGG[G>C]AACCTGTGCCTGGGAGAGGACAAGACTGCAGGTCAGAGCGGGCGCCCTGCTCTCCCACCC-3'
Protein context (NP_005551.3, residues 733-753): VDPALPEAQV[Pro743Ala]CMCRAHVEGP